The following is an entry in ClinVar:

ClinVar aggregate classification (germline): Likely pathogenic (1 of 4 stars; one submission).

Conditions:
Genitopatellar syndrome (GTPTS). Also called: ABSENT PATELLAE, SCROTAL HYPOPLASIA, RENAL ANOMALIES, FACIAL DYSMORPHISM, AND MENTAL RETARDATION; Genitopatellar syndrome (GPS). Identifiers: Orphanet 85201, MedGen C1853566, MONDO:0011640, OMIM 606170.

Submission:

3billion
Classification: Likely pathogenic for Genitopatellar syndrome. Last evaluated: 2022-01-03. Review status: criteria provided, single submitter. Criteria: ACMG Guidelines, 2015. Collection method: clinical testing. Allele origin: germline. Affected: yes. Observed: 1 heterozygote.
Comment: Frameshift: predicted to result in a loss or disruption of normal protein function through protein truncation. The predicted truncated protein may be shortened by more than 10% (PVS1_S). It is not observed in the gnomAD v2.1.1 dataset (PM2_M). Therefore, this variant is classified as likely pathogenic according to the recommendation of ACMG/AMP guideline.

NM_012330.4(KAT6B):c.3857del (p.Gln1286fs)

Gene: KAT6B (lysine acetyltransferase 6B; plus strand). Cytogenetic location: 10q22.2.
Variant type: Deletion.
Coding change: c.3857del on transcript NM_012330.4 (MANE Select); coding-DNA position 3857, one base deleted (A; older notation c.3857delA).
Protein change: p.Gln1286fs; shifts the reading frame from glutamine 1286.
Molecular consequence: frameshift variant.
Genome position (GRCh38, 1-based): chr10:75,028,681, A deleted. VCF-style (leftmost placement, unchanged base first): chr10-75028680-CA-C. GRCh37 (hg19) VCF-style: chr10-76788438-CA-C.
Other names: c.2981del, p.Gln994fs (NM_001256469.2, NM_001370139.1, NM_001370140.1 and 2 more transcripts); c.2819del, p.Gln940fs (NM_001370132.1); c.2168del, p.Gln723fs (NM_001370133.1); c.1772del, p.Gln591fs (NM_001370134.1); c.1514del, p.Gln505fs (NM_001370135.1); c.3857del, p.Gln1286fs (NM_001370136.1, NM_001370137.1); c.3308del, p.Gln1103fs (NM_001370138.1, NM_001256468.2); c.2792del, p.Gln931fs (NM_001370143.1, NM_001370144.1); short protein forms Q1103fs, Q1286fs, Q505fs, Q591fs, Q723fs, Q931fs, Q940fs, Q994fs.
Identifiers: ClinVar variation 1333668 (VCV001333668.1), dbSNP rs2134234642, ClinGen allele CA2573053306.